The following is an entry in ClinVar:

ClinVar aggregate classification (germline): Uncertain significance. Review status: criteria provided, multiple submitters, no conflicts (2 of 4 stars). 2 submissions from 2 submitters: Uncertain significance (2). Last evaluated 2023-07-10.

Conditions:
Inborn genetic diseases. Identifiers: MedGen C0950123, MeSH D030342.
Hereditary hemochromatosis (HFE). Identifiers: MedGen C0392514, MONDO:0006507. Disease mechanism: loss of function.

Allele frequency attached by ClinVar (database versions not stated): ExAC 0.00002; TOPMed 0.00003; gnomAD 0.00005; gnomAD exomes 0.00006; ESP Exome Variant Server 0.00008.
gnomAD v4.1: 88 of 1,610,514 alleles (0.0055%); highest among the groups gnomAD compares: Non-Finnish European, 0.0071%; no homozygotes.

Submissions (2):

Ambry Genetics
Classification: Uncertain significance for Inborn genetic diseases. Last evaluated: 2023-07-10. Review status: criteria provided, single submitter. Criteria: Ambry Variant Classification Scheme 2023. Collection method: clinical testing. Allele origin: germline.

Labcorp Genetics (formerly Invitae), Labcorp
Classification: Uncertain significance for Hereditary hemochromatosis. Last evaluated: 2022-05-03. Review status: criteria provided, single submitter. Criteria: Invitae Variant Classification Sherloc (09022015). Collection method: clinical testing. Allele origin: germline.
Comment: This sequence change replaces leucine, which is neutral and non-polar, with valine, which is neutral and non-polar, at codon 175 of the TFR2 protein (p.Leu175Val). This variant is present in population databases (rs377287303, gnomAD 0.007%). This variant has not been reported in the literature in individuals affected with TFR2-related conditions. Algorithms developed to predict the effect of missense changes on protein structure and function are either unavailable or do not agree on the potential impact of this missense change (SIFT: "Deleterious"; PolyPhen-2: "Possibly Damaging"; Align-GVGD: "Class C0"). Algorithms developed to predict the effect of sequence changes on RNA splicing suggest that this variant may create or strengthen a splice site. In summary, the available evidence is currently insufficient to determine the role of this variant in disease. Therefore, it has been classified as a Variant of Uncertain Significance.

NM_003227.4(TFR2):c.523C>G (p.Leu175Val)

Gene: TFR2 (transferrin receptor 2; minus strand). Cytogenetic location: 7q22.1.
Variant type: single nucleotide variant.
Coding change: c.523C>G on transcript NM_003227.4 (MANE Select); coding-DNA position 523, C replaced by G.
Protein change: p.Leu175Val; replaces leucine 175 with valine.
Molecular consequence: missense variant.
Genome position (GRCh38, 1-based): chr7:100,633,507, G>C on the plus strand (C>G on the coding strand, the complement: TFR2 is on the minus strand). VCF-style: chr7-100633507-G-C. GRCh37 (hg19) VCF-style: chr7-100231130-G-C.
Other names: c.10C>G, p.Leu4Val (NM_001206855.3); c.523C>G (NM_003227.3); short protein forms L4V, L175V.
Identifiers: ClinVar variation 2049623 (VCV002049623.3), dbSNP rs377287303, ClinGen allele CA4386803.